The following is an entry in ClinVar:

NM_000277.3(PAH):c.782G>T (p.Arg261Leu)

Gene: PAH (phenylalanine hydroxylase; minus strand). Cytogenetic location: 12q23.2.
Variant type: single nucleotide variant.
Coding change: c.782G>T on transcript NM_000277.3 (MANE Select); coding-DNA position 782, G replaced by T.
Protein change: p.Arg261Leu; replaces arginine 261 with leucine.
Molecular consequence: missense variant.
Genome position (GRCh38, 1-based): chr12:102,852,875, C>A on the plus strand (G>T on the coding strand, the complement: PAH is on the minus strand). VCF-style: chr12-102852875-C-A. GRCh37 (hg19) VCF-style: chr12-103246653-C-A.
Other names: c.782G>T, p.Arg261Leu (NM_001354304.2); short protein forms R261L.
Identifiers: ClinVar variation 585208 (VCV000585208.4), dbSNP rs5030849, ClinGen allele CA386295444.

ClinVar aggregate classification (germline): Likely pathogenic. Review status: reviewed by expert panel (3 of 4 stars). 2 submissions from 2 submitters: Likely pathogenic (1). 1 of the submissions does not count toward it. Last evaluated 2024-11-17.

Conditions:
Phenylketonuria (PKU). Also called: OLIGOPHRENIA PHENYLPYRUVICA; Phenylketonurias; FOLLING DISEASE; Phenylketonuria (PKU). Identifiers: Orphanet 716, MedGen C0031485, MONDO:0009861, OMIM 261600. Disease mechanism: loss of function.

Submissions (2):

ClinGen PAH Variant Curation Expert Panel
Classification: Likely pathogenic for Phenylketonuria. Last evaluated: 2024-11-17. Review status: reviewed by expert panel. Criteria: ClinGen PAH ACMG Specifications v1. Collection method: curation. Allele origin: germline. Inheritance: Autosomal recessive inheritance.
Comment: The c.782G>T (p.Arg261Leu) variant in PAH has been previously reported Pathogenic by one clinical laboratory in ClinVar (see variant ID 576255); No further information regarding zygosity, familial segregation, and/or functional assays was provided, and no formal classification criteria were given, aside from “case-control” was given in the collection method. The variant results in a substitution of a highly conserved Arg residue with Leucine; the two amino acid residues are physiochemically distinct (basic versus nonpolar side chains) and the substitution is predicted damaging by multiple lines of computational evidence, e.g., Predicted deleterious in SIFT, Polyphen2, Mutation Taster. REVEL= 0.979) (PP3_Strong). It is absent from control databases including ethnically matched individuals, including gnomAD/ExAC, 1000 Genomes, and ESP (PM2_Supporting). Other missense changes at this Arg (Arg261) have been previously reported Pathogenic or Likely Pathogenic in ClinVar, e.g., p.Arg261Gln (Pathogenic per internal PAH ClinGen Working Group classification, ClinVar ID 582), as well as p.Arg261Gly and p.Arg261Pro (PM5). In summary, this variant meets criteria to be classified as likely pathogenic for phenylketonuria in an autosomal recessive manner based on the ACMG/AMP criteria applied as specified by the PAH Expert Panel: PM2_Supporting, PP3_Strong, PM5.

Clinical Laboratory, Xuzhou Maternity and Child Health Care Hospital
Classification: Pathogenic for Phenylketonuria. Last evaluated: 2018-06-26. Review status: no assertion criteria provided. Collection method: case-control. Allele origin: inherited. Affected: yes. Observed: 1 variant allele. Not counted in ClinVar's aggregate classification.